The following is an entry in ClinVar:

ClinVar aggregate classification (germline): Uncertain significance. Review status: criteria provided, multiple submitters, no conflicts (2 of 4 stars). 2 submissions from 2 submitters: Uncertain significance (2). Last evaluated 2025-05-25.

Conditions:
Mitochondrial complex III deficiency nuclear type 2. Identifiers: MedGen C3554605, MONDO:0014063, OMIM 615157.
Inborn genetic diseases. Identifiers: MedGen C0950123, MeSH D030342.

Allele frequency attached by ClinVar (database versions not stated): gnomAD exomes below 0.00001; gnomAD 0.00001; TOPMed 0.00001; ExAC 0.00002.

Submissions (2):

Ambry Genetics
Classification: Uncertain significance for Inborn genetic diseases. Last evaluated: 2025-05-25. Review status: criteria provided, single submitter. Criteria: Ambry Variant Classification Scheme 2023. Collection method: clinical testing. Allele origin: germline.

Juno Genomics, Hangzhou Juno Genomics, Inc
Classification: Uncertain significance for Mitochondrial complex III deficiency nuclear type 2. Review status: criteria provided, single submitter. Criteria: ACMG Guidelines, 2015. Collection method: clinical testing. Allele origin: germline.
Comment: Absent from controls (or at extremely low frequency if recessive) in Genome Aggregation Database.;Multiple lines of computational evidence support a deleterious effect on the gene or gene product.

NM_017775.4(TTC19):c.833C>T (p.Thr278Ile)

Gene: TTC19 (tetratricopeptide repeat domain 19; plus strand). Cytogenetic location: 17p12.
Variant type: single nucleotide variant.
Coding change: c.833C>T on transcript NM_017775.4 (MANE Select); coding-DNA position 833, C replaced by T.
Protein change: p.Thr278Ile; replaces threonine 278 with isoleucine.
Molecular consequence: missense variant.
Genome position (GRCh38, 1-based): chr17:16,026,541, C>T. VCF-style: chr17-16026541-C-T. GRCh37 (hg19) VCF-style: chr17-15929855-C-T.
Other names: c.512C>T, p.Thr171Ile (NM_001271420.2); short protein forms T171I, T278I.
Identifiers: ClinVar variation 2528134 (VCV002528134.5), dbSNP rs774854649, ClinGen allele CA8407544.
Genomic context (GRCh38, chr17:16,026,541, plus strand): 5'-ATTAAAGTTCTGTGAAGGCATGTTTTTAAAGAAAAAATTGTTTTTTCTTTTACATACAGA[C>T]CATTGTGCTGATGAGTGACCTGGCTACTACCCTGGATGCACAGGGCCGCTTTGATGAGGC-3'
Protein context (NP_060245.3, residues 268-288): EEIQGERHPQ[Thr278Ile]IVLMSDLATT